The following is an entry in ClinVar:

NM_000219.6(KCNE1):c.303G>C (p.Glu101Asp)

Gene: KCNE1 (potassium voltage-gated channel subfamily E regulatory subunit 1; minus strand). Cytogenetic location: 21q22.12.
Variant type: single nucleotide variant.
Coding change: c.303G>C on transcript NM_000219.6 (MANE Select); coding-DNA position 303, G replaced by C.
Protein change: p.Glu101Asp; replaces glutamic acid 101 with aspartic acid.
Molecular consequence: missense variant.
Genome position (GRCh38, 1-based): chr21:34,449,332, C>G on the plus strand (G>C on the coding strand, the complement: KCNE1 is on the minus strand). VCF-style: chr21-34449332-C-G. GRCh37 (hg19) VCF-style: chr21-35821630-C-G.
Other names: c.303G>C, p.Glu101Asp (NM_001127668.4, NM_001127669.4, NM_001127670.4 and 4 more transcripts); short protein forms E101D.
Identifiers: ClinVar variation 3374580 (VCV003374580.2).

Conditions:
Long QT syndrome 5 (LQT5). Identifiers: Orphanet 101016, Orphanet 768, MedGen C1867904, MONDO:0013372, OMIM 613695.

Submission:

Roden Lab, Vanderbilt University Medical Center
No classification provided (evidence only). Condition: Long QT syndrome 5. Review status: no classification provided. Collection method: in vitro. Allele origin: not applicable. Functional consequence: Effect on ion channel function.
ClinVar note: "not provided" was previously submitted as the classification for the variant. However, the classification appeared to be based only on an observation of functional data so it was converted to no classification on 2025-07-30.